The following is an entry in ClinVar:

NM_001355436.2(SPTB):c.2589G>A (p.Trp863Ter)

Gene: SPTB (spectrin beta, erythrocytic; minus strand). Cytogenetic location: 14q23.3.
Variant type: single nucleotide variant.
Coding change: c.2589G>A on transcript NM_001355436.2 (MANE Select); coding-DNA position 2589, G replaced by A.
Protein change: p.Trp863Ter; replaces tryptophan 863 with a stop codon.
Molecular consequence: nonsense.
Genome position (GRCh38, 1-based): chr14:64,793,074, C>T on the plus strand (G>A on the coding strand, the complement: SPTB is on the minus strand). VCF-style: chr14-64793074-C-T. GRCh37 (hg19) VCF-style: chr14-65259792-C-T.
Other names: c.2589G>A, p.Trp863Ter (NM_001024858.4, NM_001355437.2); short protein forms W863*.
Identifiers: ClinVar variation 4724307 (VCV004724307.1).
Genomic context (GRCh38, chr14:64,793,074, plus strand): 5'-CAGGTCCTCCAGGGTGTCTGGCATTTCCATCTCGGCCAGCCACTTCTCCTTCTCTCCCAT[C>T]CACAGCTCACAGGCGTCTGTCTCCCCGAACACCGTGTACAGGTCCAGGGCTTCCTGCAGC-3'

ClinVar aggregate classification (germline): Pathogenic (1 of 4 stars; one submission).

Submission:

Labcorp Genetics (formerly Invitae), Labcorp
Classification: Pathogenic. Last evaluated: 2025-07-31. Review status: criteria provided, single submitter. Criteria: Invitae Variant Classification Sherloc (09022015). Collection method: clinical testing. Allele origin: germline.
Comment: This sequence change creates a premature translational stop signal (p.Trp863*) in the SPTB gene. It is expected to result in an absent or disrupted protein product. Loss-of-function variants in SPTB are known to be pathogenic (PMID: 1391962, 1498324, 8844207, 26830532, 27292444). This variant is not present in population databases (gnomAD no frequency). This premature translational stop signal has been observed in individual(s) with hereditary spherocytosis (PMID: 29572776). For these reasons, this variant has been classified as Pathogenic.

Literature cited by the submitters: PubMed 1391962; PubMed 1498324; PubMed 8844207; PubMed 26830532; PubMed 27292444; PubMed 29572776.